The following is an entry in ClinVar:

NM_001323289.2(CDKL5):c.554+4A>G

Gene: CDKL5 (cyclin dependent kinase like 5; plus strand). Cytogenetic location: Xp22.13.
Variant type: single nucleotide variant.
Coding change: c.554+4A>G on transcript NM_001323289.2 (MANE Select); 4 bases into the intron after coding-DNA position 554, A replaced by G.
Molecular consequence: intron variant.
Genome position (GRCh38, 1-based): chrX:18,584,357, A>G. VCF-style: chrX-18584357-A-G. GRCh37 (hg19) VCF-style: chrX-18602477-A-G.
Other names: c.554+4A>G (NM_003159.3, NM_001037343.2).
Identifiers: ClinVar variation 1073273 (VCV001073273.9), dbSNP rs2147145614, ClinGen allele CA2499226533.

ClinVar aggregate classification (germline): Pathogenic (1 of 4 stars; one submission).

Conditions:
Angelman syndrome-like. Identifiers: MedGen CN128785.
Developmental and epileptic encephalopathy, 2 (DEE2). Also called: INFANTILE SPASM SYNDROME, X-LINKED 2; CDKL5 deficiency disorder. Identifiers: Orphanet 1934, Orphanet 3451, Orphanet 505652, MedGen C4750718, MONDO:0010396, OMIM 300672.

Submission:

Labcorp Genetics (formerly Invitae), Labcorp
Classification: Pathogenic for Developmental and epileptic encephalopathy, 2; Angelman syndrome-like. Last evaluated: 2023-11-27. Review status: criteria provided, single submitter. Criteria: Invitae Variant Classification Sherloc (09022015). Collection method: clinical testing. Allele origin: germline.
Comment: This sequence change falls in intron 8 of the CDKL5 gene. It does not directly change the encoded amino acid sequence of the CDKL5 protein. It affects a nucleotide within the consensus splice site. This variant is not present in population databases (gnomAD no frequency). This variant has been observed in individual(s) with clinical features of CDKL5-related conditions (Invitae). In at least one individual the variant was observed to be de novo. ClinVar contains an entry for this variant (Variation ID: 1073273). Variants that disrupt the consensus splice site are a relatively common cause of aberrant splicing (PMID: 17576681, 9536098). Algorithms developed to predict the effect of sequence changes on RNA splicing suggest that this variant may disrupt the consensus splice site. For these reasons, this variant has been classified as Pathogenic.

Literature cited by the submitters: PubMed 17576681; PubMed 9536098.